The following is an entry in ClinVar:

NM_001371928.1(AHDC1):c.2261A>G (p.Gln754Arg)

Gene: AHDC1 (AT-hook DNA binding motif containing 1; minus strand). Cytogenetic location: 1p36.11.
Variant type: single nucleotide variant.
Coding change: c.2261A>G on transcript NM_001371928.1 (MANE Select); coding-DNA position 2261, A replaced by G.
Protein change: p.Gln754Arg; replaces glutamine 754 with arginine.
Molecular consequence: missense variant.
Genome position (GRCh38, 1-based): chr1:27,549,855, T>C on the plus strand (A>G on the coding strand, the complement: AHDC1 is on the minus strand). VCF-style: chr1-27549855-T-C. GRCh37 (hg19) VCF-style: chr1-27876366-T-C.
Other names: c.2261A>G, p.Gln754Arg (NM_001029882.3); short protein forms Q754R.
Identifiers: ClinVar variation 2806945 (VCV002806945.5), dbSNP rs2521947687, ClinGen allele CA339232322.

ClinVar aggregate classification (germline): Uncertain significance. Review status: criteria provided, multiple submitters, no conflicts (2 of 4 stars). 2 submissions from 2 submitters: Uncertain significance (2). Last evaluated 2025-07-05.

Allele frequency attached by ClinVar (database versions not stated): gnomAD exomes below 0.00001.
gnomAD v4.1: 1 of 1,613,130 alleles (0.000062%); highest among the groups gnomAD compares: Non-Finnish European, 0.000085%; no homozygotes.

Submissions (2):

Dasa
Classification: Uncertain significance. Last evaluated: 2025-07-05. Review status: criteria provided, single submitter. Criteria: DASA Assertion Criteria. Collection method: clinical testing. Allele origin: germline.
Comment: NM_001371928.1(AHDC1):c.2261A>G (p.Gln754Arg) is a missense variant that results in the substitution of glutamine with arginine. This variant is rare in population databases. Computational prediction algorithms are consistent with a benign effect. The currently available literature and clinical evidence are not sufficient to establish a definitive association between this variant and the reported condition. Therefore, this variant is classified as a variant of uncertain significance.

Labcorp Genetics (formerly Invitae), Labcorp
Classification: Uncertain significance. Last evaluated: 2023-02-06. Review status: criteria provided, single submitter. Criteria: Invitae Variant Classification Sherloc (09022015). Collection method: clinical testing. Allele origin: germline.
Comment: This sequence change replaces glutamine, which is neutral and polar, with arginine, which is basic and polar, at codon 754 of the AHDC1 protein (p.Gln754Arg). This variant is not present in population databases (gnomAD no frequency). This variant has not been reported in the literature in individuals affected with AHDC1-related conditions. Algorithms developed to predict the effect of missense changes on protein structure and function are either unavailable or do not agree on the potential impact of this missense change (SIFT: "Deleterious"; PolyPhen-2: "Benign"; Align-GVGD: "Class C0"). In summary, the available evidence is currently insufficient to determine the role of this variant in disease. Therefore, it has been classified as a Variant of Uncertain Significance.